The following is an entry in ClinVar:

NM_144670.6(A2ML1):c.3344C>T (p.Pro1115Leu)

Gene: A2ML1 (alpha-2-macroglobulin like 1; plus strand). Cytogenetic location: 12p13.31.
Variant type: single nucleotide variant.
Coding change: c.3344C>T on transcript NM_144670.6 (MANE Select); coding-DNA position 3344, C replaced by T.
Protein change: p.Pro1115Leu; replaces proline 1115 with leucine.
Molecular consequence: missense variant.
Genome position (GRCh38, 1-based): chr12:8,861,139, C>T. VCF-style: chr12-8861139-C-T. GRCh37 (hg19) VCF-style: chr12-9013735-C-T.
Other names: c.1871C>T, p.Pro624Leu (NM_001282424.3); short protein forms P1115L, P624L.
Identifiers: ClinVar variation 3229201 (VCV003229201.1), dbSNP rs2539289296, ClinGen allele CA383840418.

ClinVar aggregate classification (germline): Uncertain significance (1 of 4 stars; one submission).

Submission:

Ambry Genetics
Classification: Uncertain significance. Last evaluated: 2024-01-22. Review status: criteria provided, single submitter. Criteria: Ambry Variant Classification Scheme 2023. Collection method: clinical testing. Allele origin: germline.
Comment: The p.P1115L variant (also known as c.3344C>T), located in coding exon 28 of the A2ML1 gene, results from a C to T substitution at nucleotide position 3344. The proline at codon 1115 is replaced by leucine, an amino acid with similar properties. This amino acid position is conserved. In addition, this alteration is predicted to be tolerated by in silico analysis. Based on the available evidence, the clinical significance of this alteration remains unclear.